The following is an entry in ClinVar:

ClinVar aggregate classification (germline): Uncertain significance (1 of 4 stars; one submission).

Conditions:
Inborn genetic diseases. Identifiers: MedGen C0950123, MeSH D030342.

Submission:

Ambry Genetics
Classification: Uncertain significance for Inborn genetic diseases. Last evaluated: 2024-04-12. Review status: criteria provided, single submitter. Criteria: Ambry Variant Classification Scheme 2023. Collection method: clinical testing. Allele origin: germline.
Comment: The p.C1266S variant (also known as c.3797G>C), located in coding exon 28 of the LRRK2 gene, results from a G to C substitution at nucleotide position 3797. The cysteine at codon 1266 is replaced by serine, an amino acid with dissimilar properties. This amino acid position is conserved. In addition, this alteration is predicted to be tolerated by in silico analysis. Based on the available evidence, the clinical significance of this variant remains unclear.

NM_198578.4(LRRK2):c.3797G>C (p.Cys1266Ser)

Gene: LRRK2 (leucine rich repeat kinase 2; plus strand). Cytogenetic location: 12q12.
Variant type: single nucleotide variant.
Coding change: c.3797G>C on transcript NM_198578.4 (MANE Select); coding-DNA position 3797, G replaced by C.
Protein change: p.Cys1266Ser; replaces cysteine 1266 with serine.
Molecular consequence: missense variant.
Genome position (GRCh38, 1-based): chr12:40,305,804, G>C. VCF-style: chr12-40305804-G-C. GRCh37 (hg19) VCF-style: chr12-40699606-G-C.
Other names: short protein forms C1266S.
Identifiers: ClinVar variation 3291890 (VCV003291890.1).